The following is an entry in ClinVar:

NM_020779.4(WDR35):c.297del (p.Met99fs)

Gene: WDR35 (WD repeat domain 35; minus strand). Cytogenetic location: 2p24.1.
Variant type: Deletion.
Coding change: c.297del on transcript NM_020779.4 (MANE Select); coding-DNA position 297, one base deleted (G; older notation c.297delG).
Protein change: p.Met99fs; shifts the reading frame from methionine 99.
Molecular consequence: frameshift variant.
Genome position (GRCh38, 1-based): chr2:19,980,701, C deleted on the plus strand (G on the coding strand, the reverse complement: WDR35 is on the minus strand). VCF-style (leftmost placement, unchanged base first): chr2-19980700-AC-A. GRCh37 (hg19) VCF-style: chr2-20180461-AC-A.
Other names: c.297del, p.Met99fs (NM_001006657.2); short protein forms M99fs.
Identifiers: ClinVar variation 1415290 (VCV001415290.7), dbSNP rs867715686, ClinGen allele CA43431867.

ClinVar aggregate classification (germline): Pathogenic/Likely pathogenic. Review status: criteria provided, multiple submitters, no conflicts (2 of 4 stars). 2 submissions from 2 submitters: Pathogenic (1); Likely pathogenic (1). Last evaluated 2024-11-25.

Conditions:
WDR35-related disorder. Also called: WDR35-related condition; WDR35-related disorders. Identifiers: MedGen CN239419.
Short-rib thoracic dysplasia 7 with or without polydactyly (SRTD7). Also called: Short rib polydactyly syndrome 5; SHORT-RIB THORACIC DYSPLASIA 7 WITH POLYDACTYLY. Identifiers: Orphanet 498497, Orphanet 93271, MedGen C3279792, MONDO:0013569, OMIM 614091.
Cranioectodermal dysplasia 2 (CED2). Identifiers: Orphanet 1515, MedGen C3150874, MONDO:0013323, OMIM 613610.

Allele frequency attached by ClinVar (database versions not stated): TOPMed below 0.00001; gnomAD exomes 0.00001; ESP Exome Variant Server 0.00008.

Submissions (2):

Blueprint Genetics
Classification: Likely pathogenic for WDR35-related disorders. Last evaluated: 2024-11-25. Review status: criteria provided, single submitter. Criteria: ACMG Guidelines, 2015. Collection method: clinical testing. Allele origin: germline. Affected: yes. Observed: 1 variant allele.

Labcorp Genetics (formerly Invitae), Labcorp
Classification: Pathogenic for Cranioectodermal dysplasia 2; Short-rib thoracic dysplasia 7 with or without polydactyly. Last evaluated: 2024-03-24. Review status: criteria provided, single submitter. Criteria: Invitae Variant Classification Sherloc (09022015). Collection method: clinical testing. Allele origin: germline.
Comment: This sequence change creates a premature translational stop signal (p.Met99Ilefs*11) in the WDR35 gene. It is expected to result in an absent or disrupted protein product. Loss-of-function variants in WDR35 are known to be pathogenic (PMID: 22486404, 29068549). This variant is not present in population databases (gnomAD no frequency). This variant has not been reported in the literature in individuals affected with WDR35-related conditions. ClinVar contains an entry for this variant (Variation ID: 1415290). For these reasons, this variant has been classified as Pathogenic.

Literature cited by the submitters: PubMed 22486404 (cited by Labcorp Genetics (formerly Invitae), Labcorp); PubMed 29068549 (cited by Labcorp Genetics (formerly Invitae), Labcorp).